The following is an entry in ClinVar:

ClinVar aggregate classification (germline): Likely pathogenic (1 of 4 stars; one submission).

Conditions:
Juvenile myelomonocytic leukemia (JMML). Also called: LEUKEMIA, JUVENILE MYELOMONOCYTIC, SOMATIC. Identifiers: Orphanet 86834, MedGen C0349639, MONDO:0011908, OMIM 607785, HP:0012209.
Neurofibromatosis-Noonan syndrome (NFNS). Also called: NEUROFIBROMATOSIS WITH NOONAN PHENOTYPE. Identifiers: Orphanet 638, MedGen C2931482, MONDO:0011035, OMIM 601321. Disease mechanism: loss of function.
Café-au-lait macules with pulmonary stenosis (WTSN). Also called: PULMONIC STENOSIS WITH CAFE-AU-LAIT SPOTS. Identifiers: MedGen C0553586, MONDO:0008672, OMIM 193520.
Neurofibromatosis, type 1 (NF1). Also called: Peripheral type neurofibromatosis; VON RECKLINGHAUSEN DISEASE; Neurofibromatosis, type I; NEUROFIBROMATOSIS, TYPE I, SOMATIC. Identifiers: Orphanet 636, MedGen C0027831, MONDO:0018975, OMIM 162200. Disease mechanism: loss of function.
Neurofibromatosis, familial spinal (FSNF). Identifiers: Orphanet 636, MedGen C1834235, MONDO:0008078, OMIM 162210. Disease mechanism: loss of function.

Submission:

Juno Genomics, Hangzhou Juno Genomics, Inc
Classification: Likely pathogenic for Café-au-lait macules with pulmonary stenosis; Neurofibromatosis, type 1; Juvenile myelomonocytic leukemia; Neurofibromatosis, familial spinal; Neurofibromatosis-Noonan syndrome. Review status: criteria provided, single submitter. Criteria: ACMG Guidelines, 2015. Collection method: clinical testing. Allele origin: germline.
Comment: Absent from controls (or at extremely low frequency if recessive) in Genome Aggregation Database.;Multiple lines of computational evidence support a deleterious effect on the gene or gene product.;De novo (both maternity and paternity confirmed) in a patient with the disease and no family history.;Patient's phenotype or family history is highly specific for a disease with a single genetic etiology.

NM_001042492.3(NF1):c.6922-3C>G

Gene: NF1 (neurofibromin 1; plus strand). Cytogenetic location: 17q11.2.
Variant type: single nucleotide variant.
Coding change: c.6922-3C>G on transcript NM_001042492.3 (MANE Select); 3 bases into the intron before coding-DNA position 6922, C replaced by G.
Molecular consequence: intron variant.
Genome position (GRCh38, 1-based): chr17:31,340,502, C>G. VCF-style: chr17-31340502-C-G. GRCh37 (hg19) VCF-style: chr17-29667520-C-G.
Other names: c.6859-3C>G (NM_000267.4).
Identifiers: ClinVar variation 5005738 (VCV005005738.2).